The following is an entry in ClinVar:

NM_001035.3(RYR2):c.10896A>G (p.Glu3632=)

Gene: RYR2 (ryanodine receptor 2; plus strand). Cytogenetic location: 1q43.
Variant type: single nucleotide variant.
Coding change: c.10896A>G on transcript NM_001035.3 (MANE Select); coding-DNA position 10896, A replaced by G.
Protein change: p.Glu3632=; no amino-acid change (glutamic acid 3632 retained).
Molecular consequence: synonymous variant.
Genome position (GRCh38, 1-based): chr1:237,730,317, A>G. VCF-style: chr1-237730317-A-G. GRCh37 (hg19) VCF-style: chr1-237893617-A-G.
Identifiers: ClinVar variation 3385834 (VCV003385834.1).

ClinVar aggregate classification (germline): Likely benign (1 of 4 stars; one submission).

Conditions:
Catecholaminergic polymorphic ventricular tachycardia (CVPT). Also called: Catecholamine-induced polymorphic ventricular tachycardia. Identifiers: Orphanet 3286, MedGen C5574922, MONDO:0017990.

Submission:

All of Us Research Program, National Institutes of Health
Classification: Likely benign for Catecholaminergic polymorphic ventricular tachycardia. Last evaluated: 2024-02-22. Review status: criteria provided, single submitter. Criteria: ACMG Guidelines, 2015. Collection method: clinical testing. Allele origin: germline. Inheritance: Autosomal dominant inheritance. Observed: 1 variant allele, 1 heterozygote.
Comment: This study involves interpretation of variants in research participants for the purpose of population health screening. Participant phenotype was not available at the time of variant classification. Additional details can be found in publication PMID: 35346344, PMCID: PMC8962531